The following is an entry in ClinVar:

ClinVar aggregate classification (germline): Likely benign (1 of 4 stars; one submission).

Submission:

CeGaT Center for Human Genetics Tuebingen
Classification: Likely benign. Last evaluated: 2026-05-01. Review status: criteria provided, single submitter. Criteria: CeGaT Center For Human Genetics Tuebingen Variant Classification Criteria Version 2. Collection method: clinical testing. Allele origin: germline. Affected: yes. Observed: 1 variant allele.
Comment: UBC: BP4, BP7

NM_021009.7(UBC):c.655T>C (p.Leu219=)

Gene: UBC (ubiquitin C; minus strand). Cytogenetic location: 12q24.31.
Variant type: single nucleotide variant.
Coding change: c.655T>C on transcript NM_021009.7 (MANE Select); coding-DNA position 655, T replaced by C.
Protein change: p.Leu219=; no amino-acid change (leucine 219 retained).
Molecular consequence: synonymous variant.
Genome position (GRCh38, 1-based): chr12:124,913,117, A>G on the plus strand (T>C on the coding strand, the complement: UBC is on the minus strand). VCF-style: chr12-124913117-A-G. GRCh37 (hg19) VCF-style: chr12-125397663-A-G.
Identifiers: ClinVar variation 4872108 (VCV004872108.2).
Genomic context (GRCh38, chr12:124,913,117, plus strand): 5'-TGCCAGTGAGTGTCTTCACGAAGATTTGCATCCCACCTCTGAGACGGAGTACCAGGTGCA[A>G]GGTGGACTCTTTCTGGATGTTGTAGTCAGACAGGGTACGACCATCTTCCAGCTGTTTTCC-3'
Protein context (NP_066289.3, residues 209-229): SDYNIQKEST[Leu219=]HLVLRLRGGM